The following is an entry in ClinVar:

NM_003477.3(PDHX):c.644A>G (p.Asp215Gly)

Gene: PDHX (pyruvate dehydrogenase complex component X; plus strand). Cytogenetic location: 11p13.
Variant type: single nucleotide variant.
Coding change: c.644A>G on transcript NM_003477.3 (MANE Select); coding-DNA position 644, A replaced by G.
Protein change: p.Asp215Gly; replaces aspartic acid 215 with glycine.
Molecular consequence: missense variant. On other transcripts: intron variant (1).
Genome position (GRCh38, 1-based): chr11:34,966,642, A>G. VCF-style: chr11-34966642-A-G. GRCh37 (hg19) VCF-style: chr11-34988189-A-G.
Other names: c.464A>G, p.Asp155Gly (NM_001135024.2); c.343-17928A>G (NM_001166158.2); short protein forms D215G, D155G.
Identifiers: ClinVar variation 2162444 (VCV002162444.4), dbSNP rs200568558, ClinGen allele CA324072.
Genomic context (GRCh38, chr11:34,966,642, plus strand): 5'-AAGTTCTGTTATATTCCTTATTGCTAATTATGGTTATCTACTTTGCTCTTATTTCCAGGG[A>G]TGCTCTCAAACTTGTCCAGTTGAAACAAACGGGCAAGATTACCGAGTCCAGACCAACTCC-3'
Protein context (NP_003468.2, residues 205-225): TGPRGIFTKE[Asp215Gly]ALKLVQLKQT

ClinVar aggregate classification (germline): Uncertain significance (1 of 4 stars; one submission).

Allele frequency attached by ClinVar (database versions not stated): gnomAD exomes below 0.00001; TOPMed 0.00001.
gnomAD v4.1: 7 of 1,613,972 alleles (0.00043%); highest among the groups gnomAD compares: Non-Finnish European, 0.00059%; no homozygotes.

Submission:

Labcorp Genetics (formerly Invitae), Labcorp
Classification: Uncertain significance. Last evaluated: 2022-07-01. Review status: criteria provided, single submitter. Criteria: Invitae Variant Classification Sherloc (09022015). Collection method: clinical testing. Allele origin: germline.
Comment: This variant has not been reported in the literature in individuals affected with PDHX-related conditions. In summary, the available evidence is currently insufficient to determine the role of this variant in disease. Therefore, it has been classified as a Variant of Uncertain Significance. Algorithms developed to predict the effect of missense changes on protein structure and function (SIFT, PolyPhen-2, Align-GVGD) all suggest that this variant is likely to be disruptive. This variant is present in population databases (rs200568558, gnomAD 0.002%). This sequence change replaces aspartic acid, which is acidic and polar, with glycine, which is neutral and non-polar, at codon 215 of the PDHX protein (p.Asp215Gly).